The following is an entry in ClinVar:

ClinVar aggregate classification (germline): Benign. Review status: criteria provided, multiple submitters, no conflicts (2 of 4 stars). 5 submissions from 5 submitters: Benign (2). 3 of the submissions do not count toward it. Last evaluated 2026-01-26.

Conditions:
Adult-onset autosomal dominant demyelinating leukodystrophy. Identifiers: Orphanet 99027, MedGen C1868512, MONDO:0008215.

Allele frequency attached by ClinVar (database versions not stated): 1000 Genomes Project 30x 0.00968; 1000 Genomes Project 0.00998; TOPMed 0.01434; gnomAD 0.01478 and 0.01524; ESP Exome Variant Server 0.01938; gnomAD exomes 0.02438 and 0.01952; ExAC 0.02119.
gnomAD v4.1: 37,649 of 1,613,792 alleles (2.3%); highest among the groups gnomAD compares: South Asian, 3.5%; 556 homozygotes.

Submissions (5):

Labcorp Genetics (formerly Invitae), Labcorp
Classification: Benign. Last evaluated: 2026-01-26. Review status: criteria provided, single submitter. Criteria: Invitae Variant Classification Sherloc (09022015). Collection method: clinical testing. Allele origin: germline.

Illumina Laboratory Services, Illumina
Classification: Benign for Leukodystrophy, demyelinating, adult-onset, autosomal dominant, typical. Last evaluated: 2018-01-13. Review status: criteria provided, single submitter. Criteria: ICSL Variant Classification Criteria 13 December 2019. Collection method: clinical testing. Allele origin: germline.
Comment: This variant was observed in the ICSL laboratory as part of a predisposition screen in an ostensibly healthy population. It had not been previously curated by ICSL or reported in the Human Gene Mutation Database (HGMD: prior to June 1st, 2018), and was therefore a candidate for classification through an automated scoring system. Utilizing variant allele frequency, disease prevalence and penetrance estimates, and inheritance mode, an automated score was calculated to assess if this variant is too frequent to cause the disease. Based on the score and internal cut-off values, a variant classified as benign is not then subjected to further curation. The score for this variant resulted in a classification of benign for this disease.

Clinical Genetics, Academic Medical Center
Classification: Benign. Review status: no assertion criteria provided. Collection method: clinical testing. Allele origin: germline. Affected: yes. Study: VKGL Data-share Consensus. Not counted in ClinVar's aggregate classification.

Epithelial Biology;  Institute of Medical Biology, Singapore
No classification provided. Review status: no classification provided. Collection method: not provided. Allele origin: not provided. Not counted in ClinVar's aggregate classification.

Laboratory of Diagnostic Genome Analysis, Leiden University Medical Center (LUMC)
Classification: Likely benign. Review status: no assertion criteria provided. Collection method: clinical testing. Allele origin: germline. Affected: yes. Study: VKGL Data-share Consensus. Not counted in ClinVar's aggregate classification.

NM_005573.4(LMNB1):c.1502C>T (p.Ala501Val)

Gene: LMNB1 (lamin B1; plus strand). Cytogenetic location: 5q23.2.
Variant type: single nucleotide variant.
Coding change: c.1502C>T on transcript NM_005573.4 (MANE Select); coding-DNA position 1502, C replaced by T.
Protein change: p.Ala501Val; replaces alanine 501 with valine.
Molecular consequence: missense variant. On other transcripts: non-coding transcript variant (1).
Genome position (GRCh38, 1-based): chr5:126,825,998, C>T. VCF-style: chr5-126825998-C-T. GRCh37 (hg19) VCF-style: chr5-126161690-C-T.
Other names: c.872C>T, p.Ala291Val (NM_001198557.2); short protein forms A501V, A291V.
Identifiers: ClinVar variation 66613 (VCV000066613.15), dbSNP rs36105360, ClinGen allele CA217397.